The following is an entry in ClinVar:

NM_004655.4(AXIN2):c.1347C>A (p.Thr449=)

Gene: AXIN2 (axin 2; minus strand). Cytogenetic location: 17q24.1.
Variant type: single nucleotide variant.
Coding change: c.1347C>A on transcript NM_004655.4 (MANE Select); coding-DNA position 1347, C replaced by A.
Protein change: p.Thr449=; no amino-acid change (threonine 449 retained).
Molecular consequence: synonymous variant.
Genome position (GRCh38, 1-based): chr17:65,537,689, G>T on the plus strand (C>A on the coding strand, the complement: AXIN2 is on the minus strand). VCF-style: chr17-65537689-G-T. GRCh37 (hg19) VCF-style: chr17-63533807-G-T.
Other names: c.1347C>A, p.Thr449= (NM_001363813.1).
Identifiers: ClinVar variation 3379130 (VCV003379130.2).
Genomic context (GRCh38, chr17:65,537,689, plus strand): 5'-GTGGTCCGGGGAGCGGGAGCGGGGGCTATAGCGGCCTACGCCTGGAGACTGGCAGCCAGG[G>T]GTCTTGAGGACCCTGGACAGGTGATCGTCCAGTATCGTCTGCGGGTCTTCCTCGTAGCTG-3'
Protein context (NP_004646.3, residues 439-459): LDDHLSRVLK[Thr449=]PGCQSPGVGR

ClinVar aggregate classification (germline): Benign/Likely benign. Review status: criteria provided, multiple submitters, no conflicts (2 of 4 stars). 2 submissions from 2 submitters: Benign (1); Likely benign (1). Last evaluated 2025-08-23.

Conditions:
Hereditary cancer-predisposing syndrome. Also called: Neoplastic Syndromes, Hereditary; Tumor predisposition; Hereditary Cancer Syndrome; Hereditary neoplastic syndrome. Identifiers: Orphanet 140162, MedGen C0027672, MeSH D009386, MONDO:0015356.
Oligodontia-cancer predisposition syndrome. Also called: TOOTH AGENESIS-COLORECTAL CANCER SYNDROME. Identifiers: Orphanet 300576, MedGen C1837750, MONDO:0012075, OMIM 608615. Disease mechanism: loss of function.

gnomAD v4.1: 1 of 1,557,104 alleles (0.000064%); highest among the groups gnomAD compares: Non-Finnish European, 0.000087%; no homozygotes.

Submissions (2):

Ambry Genetics
Classification: Likely benign for Hereditary cancer-predisposing syndrome. Last evaluated: 2025-08-23. Review status: criteria provided, single submitter. Criteria: Ambry Variant Classification Scheme 2023. Collection method: clinical testing. Allele origin: germline.

Myriad Genetics, Inc.
Classification: Benign for Oligodontia-cancer predisposition syndrome. Last evaluated: 2024-07-02. Review status: criteria provided, single submitter. Criteria: Myriad Autosomal Dominant, Autosomal Recessive and X-Linked Classification Criteria (2023). Collection method: clinical testing. Allele origin: unknown.
Comment: This variant is considered benign. This variant is a silent/synonymous amino acid change and it is not expected to impact splicing.